The following is an entry in ClinVar:

NM_000535.7(PMS2):c.635A>C (p.Gln212Pro)

Gene: PMS2 (PMS1 homolog 2, mismatch repair system component; minus strand). Cytogenetic location: 7p22.1.
Variant type: single nucleotide variant.
Coding change: c.635A>C on transcript NM_000535.7 (MANE Select); coding-DNA position 635, A replaced by C.
Protein change: p.Gln212Pro; replaces glutamine 212 with proline.
Molecular consequence: missense variant. On other transcripts: 5 prime UTR variant (2), non-coding transcript variant (1), intron variant (1).
Genome position (GRCh38, 1-based): chr7:5,999,178, T>G on the plus strand (A>C on the coding strand, the complement: PMS2 is on the minus strand). VCF-style: chr7-5999178-T-G. GRCh37 (hg19) VCF-style: chr7-6038809-T-G.
Other names: c.230A>C, p.Gln77Pro (NM_001322003.2, NM_001322004.2, NM_001322005.2 and 2 more transcripts); c.635A>C, p.Gln212Pro (NM_001322006.2, NM_001322014.2); c.317A>C, p.Gln106Pro (NM_001322007.2, NM_001322008.2); c.-299A>C (NM_001322011.2, NM_001322012.2); c.326A>C, p.Gln109Pro (NM_001322015.2); c.133-1755A>C (NM_001322013.2); short protein forms Q106P, Q109P, Q77P, Q212P.
Identifiers: ClinVar variation 662207 (VCV000662207.8), dbSNP rs1583386594, ClinGen allele CA366743943.
Genomic context (GRCh38, chr7:5,999,178, plus strand): 5'-CCAAACACAGAGCCGATATTTTCCTTTATGCTGGGGCTTCCACCTGTGCATACCACAGGC[T>G]GTCGTTTTCCTTGTCCAAGCTGATTGGTGCAACTTACACGGATGCCTGCTGAAATGATAC-3'
Protein context (NP_000526.2, residues 202-222): CTNQLGQGKR[Gln212Pro]PVVCTGGSPS

ClinVar aggregate classification (germline): Uncertain significance (1 of 4 stars; one submission).

Conditions:
Hereditary nonpolyposis colorectal neoplasms. Identifiers: MedGen C0009405, MeSH D003123.

Submission:

Labcorp Genetics (formerly Invitae), Labcorp
Classification: Uncertain significance for Hereditary nonpolyposis colorectal neoplasms. Last evaluated: 2024-03-06. Review status: criteria provided, single submitter. Criteria: Invitae Variant Classification Sherloc (09022015). Collection method: clinical testing. Allele origin: germline.
Comment: This sequence change replaces glutamine, which is neutral and polar, with proline, which is neutral and non-polar, at codon 212 of the PMS2 protein (p.Gln212Pro). This variant is not present in population databases (gnomAD no frequency). This variant has not been reported in the literature in individuals affected with PMS2-related conditions. ClinVar contains an entry for this variant (Variation ID: 662207). Advanced modeling of protein sequence and biophysical properties (such as structural, functional, and spatial information, amino acid conservation, physicochemical variation, residue mobility, and thermodynamic stability) performed at Invitae indicates that this missense variant is expected to disrupt PMS2 protein function with a positive predictive value of 80%. In summary, the available evidence is currently insufficient to determine the role of this variant in disease. Therefore, it has been classified as a Variant of Uncertain Significance.